The following is an entry in ClinVar:

NM_001267550.2(TTN):c.6863G>A (p.Cys2288Tyr)

Genes: TTN (titin; minus strand), LOC126806433 (BRD4-independent group 4 enhancer GRCh37_chr2:179638309-179639508; plus strand). Cytogenetic location: 2q31.2.
Variant type: single nucleotide variant.
Coding change: c.6863G>A on transcript NM_001267550.2 (MANE Select); coding-DNA position 6863, G replaced by A.
Protein change: p.Cys2288Tyr; replaces cysteine 2288 with tyrosine.
Molecular consequence: missense variant.
Genome position (GRCh38, 1-based): chr2:178,774,401, C>T on the plus strand (G>A on the coding strand, the complement: TTN is on the minus strand). VCF-style: chr2-178774401-C-T. GRCh37 (hg19) VCF-style: chr2-179639128-C-T.
Other names: c.6863G>A, p.Cys2288Tyr (NM_001256850.1, NM_133378.4, NM_133379.5); c.6725G>A, p.Cys2242Tyr (NM_003319.4, NM_133432.3, NM_133437.4); short protein forms C2242Y, C2288Y.
Identifiers: ClinVar variation 4881838 (VCV004881838.2).

ClinVar aggregate classification (germline): Uncertain significance (1 of 4 stars; one submission).

Submission:

Dasa
Classification: Uncertain significance. Last evaluated: 2026-01-30. Review status: criteria provided, single submitter. Criteria: DASA Assertion Criteria. Collection method: clinical testing. Allele origin: germline.
Comment: NM_001267550.2(TTN):c.6863G>A (p.Cys2288Tyr) is a missense variant that results in the substitution of cysteine with tyrosine. This variant is rare in population databases. The currently available literature and clinical evidence are not sufficient to establish a definitive association between this variant and the reported condition. Therefore, this variant is classified as a variant of uncertain significance.